The following is an entry in ClinVar:

ClinVar aggregate classification (germline): Uncertain significance. Review status: criteria provided, multiple submitters, no conflicts (2 of 4 stars). 2 submissions from 2 submitters: Uncertain significance (2). Last evaluated 2022-01-01.

Conditions:
Inborn genetic diseases. Identifiers: MedGen C0950123, MeSH D030342.

Allele frequency attached by ClinVar (database versions not stated): gnomAD exomes below 0.00001 and 0.00001; ExAC 0.00001; gnomAD 0.00005; TOPMed 0.00006; ESP Exome Variant Server 0.00008.
gnomAD v4.1: 15 of 1,614,218 alleles (0.00093%); highest among the groups gnomAD compares: African/African-American, 0.017%; no homozygotes.

Submissions (2):

Labcorp Genetics (formerly Invitae), Labcorp
Classification: Uncertain significance. Last evaluated: 2022-01-01. Review status: criteria provided, single submitter. Criteria: Invitae Variant Classification Sherloc (09022015). Collection method: clinical testing. Allele origin: germline.
Comment: This sequence change replaces threonine, which is neutral and polar, with isoleucine, which is neutral and non-polar, at codon 90 of the MCM3AP protein (p.Thr90Ile). This variant is present in population databases (rs369754349, gnomAD 0.02%). This variant has not been reported in the literature in individuals affected with MCM3AP-related conditions. Algorithms developed to predict the effect of missense changes on protein structure and function output the following: SIFT: "Tolerated"; PolyPhen-2: "Benign"; Align-GVGD: "Class C0". The isoleucine amino acid residue is found in multiple mammalian species, which suggests that this missense change does not adversely affect protein function. In summary, the available evidence is currently insufficient to determine the role of this variant in disease. Therefore, it has been classified as a Variant of Uncertain Significance.

Ambry Genetics
Classification: Uncertain significance for Inborn genetic diseases. Last evaluated: 2021-06-11. Review status: criteria provided, single submitter. Criteria: Ambry Variant Classification Scheme 2023. Collection method: clinical testing. Allele origin: germline.

NM_003906.5(MCM3AP):c.269C>T (p.Thr90Ile)

Gene: MCM3AP (minichromosome maintenance complex component 3 associated protein; minus strand). Cytogenetic location: 21q22.3.
Variant type: single nucleotide variant.
Coding change: c.269C>T on transcript NM_003906.5 (MANE Select); coding-DNA position 269, C replaced by T.
Protein change: p.Thr90Ile; replaces threonine 90 with isoleucine.
Molecular consequence: missense variant.
Genome position (GRCh38, 1-based): chr21:46,285,018, G>A on the plus strand (C>T on the coding strand, the complement: MCM3AP is on the minus strand). VCF-style: chr21-46285018-G-A. GRCh37 (hg19) VCF-style: chr21-47704932-G-A.
Other names: c.269C>T (NM_003906.3); short protein forms T90I.
Identifiers: ClinVar variation 1500518 (VCV001500518.6), dbSNP rs369754349, ClinGen allele CA10077382.